The following is an entry in ClinVar:

ClinVar aggregate classification (germline): Uncertain significance (1 of 4 stars; one submission).

Submission:

Ambry Genetics
Classification: Uncertain significance. Last evaluated: 2022-04-26. Review status: criteria provided, single submitter. Criteria: Ambry Variant Classification Scheme 2023. Collection method: clinical testing. Allele origin: germline.
Comment: The p.S713C variant (also known as c.2138C>G), located in coding exon 13 of the NPAT gene, results from a C to G substitution at nucleotide position 2138. The serine at codon 713 is replaced by cysteine, an amino acid with dissimilar properties. This amino acid position is conserved. In addition, this alteration is predicted to be tolerated by in silico analysis. Since supporting evidence is limited at this time, the clinical significance of this alteration remains unclear.

NM_002519.3(NPAT):c.2138C>G (p.Ser713Cys)

Gene: NPAT (nuclear protein, coactivator of histone transcription; minus strand). Cytogenetic location: 11q22.3.
Variant type: single nucleotide variant.
Coding change: c.2138C>G on transcript NM_002519.3 (MANE Select); coding-DNA position 2138, C replaced by G.
Protein change: p.Ser713Cys; replaces serine 713 with cysteine.
Molecular consequence: missense variant.
Genome position (GRCh38, 1-based): chr11:108,172,846, G>C on the plus strand (C>G on the coding strand, the complement: NPAT is on the minus strand). VCF-style: chr11-108172846-G-C. GRCh37 (hg19) VCF-style: chr11-108043573-G-C.
Other names: c.2138C>G, p.Ser713Cys (NM_001321307.1); short protein forms S713C.
Identifiers: ClinVar variation 1786503 (VCV001786503.2), dbSNP rs2496718534, ClinGen allele CA382513609.